The following is an entry in ClinVar:

ClinVar aggregate classification (germline): Uncertain significance (1 of 4 stars; one submission).

gnomAD v4.1: 2 of 232,676 alleles (0.00086%); highest among the groups gnomAD compares: East Asian, 0.012%; no homozygotes.

Submission:

Dasa
Classification: Uncertain significance. Last evaluated: 2025-11-26. Review status: criteria provided, single submitter. Criteria: DASA Assertion Criteria. Collection method: clinical testing. Allele origin: germline.
Comment: NM_001354367.2(FGFR1):c.2483C>T (p.Ala828Val) is a missense variant that results in the substitution of alanine with valine. This variant is rare in population databases. Computational prediction algorithms are consistent with a benign effect. The currently available literature and clinical evidence are not sufficient to establish a definitive association between this variant and the reported condition. Therefore, this variant is classified as a variant of uncertain significance.

NM_023110.3(FGFR1):c.*1229C>T

Genes: FGFR1 (fibroblast growth factor receptor 1; minus strand), LOC102723716 (uncharacterized LOC102723716; minus strand). Cytogenetic location: 8p11.23.
Variant type: single nucleotide variant.
Coding change: c.*1229C>T on transcript NM_023110.3 (MANE Select); 1229 bases downstream of the stop codon, C replaced by T.
Molecular consequence: 3 prime UTR variant. On other transcripts: non-coding transcript variant (1), missense variant (3).
Genome position (GRCh38, 1-based): chr8:38,412,399, G>A on the plus strand (C>T on the coding strand, the complement: FGFR1 is on the minus strand). VCF-style: chr8-38412399-G-A. GRCh37 (hg19) VCF-style: chr8-38269917-G-A.
Other names: c.*1229C>T (NM_001174063.2, NM_001174064.2, NM_001174065.2 and 7 more transcripts); c.2483C>T, p.Ala828Val (NM_001354367.2); c.2477C>T, p.Ala826Val (NM_001354369.2); c.2216C>T, p.Ala739Val (NM_001354370.2); short protein forms A739V, A826V, A828V.
Identifiers: ClinVar variation 4881440 (VCV004881440.2).